The following is an entry in ClinVar:

NM_001375.3(DNASE2):c.403T>C (p.Phe135Leu)

Gene: DNASE2 (deoxyribonuclease 2, lysosomal; minus strand). Cytogenetic location: 19p13.13.
Variant type: single nucleotide variant.
Coding change: c.403T>C on transcript NM_001375.3 (MANE Select); coding-DNA position 403, T replaced by C.
Protein change: p.Phe135Leu; replaces phenylalanine 135 with leucine.
Molecular consequence: missense variant.
Genome position (GRCh38, 1-based): chr19:12,878,778, A>G on the plus strand (T>C on the coding strand, the complement: DNASE2 is on the minus strand). VCF-style: chr19-12878778-A-G. GRCh37 (hg19) VCF-style: chr19-12989592-A-G.
Other names: short protein forms F135L.
Identifiers: ClinVar variation 1461878 (VCV001461878.8), dbSNP rs2145921524, ClinGen allele CA404300250.

ClinVar aggregate classification (germline): Uncertain significance (1 of 4 stars; one submission).

Submission:

Labcorp Genetics (formerly Invitae), Labcorp
Classification: Uncertain significance. Last evaluated: 2020-11-20. Review status: criteria provided, single submitter. Criteria: Invitae Variant Classification Sherloc (09022015). Collection method: clinical testing. Allele origin: germline.
Comment: This sequence change replaces phenylalanine with leucine at codon 135 of the DNASE2 protein (p.Phe135Leu). The phenylalanine residue is highly conserved and there is a small physicochemical difference between phenylalanine and leucine. This variant is not present in population databases (ExAC no frequency). This variant has not been reported in the literature in individuals with DNASE2-related conditions. Algorithms developed to predict the effect of missense changes on protein structure and function are either unavailable or do not agree on the potential impact of this missense change (SIFT: "Deleterious"; PolyPhen-2: "Probably Damaging"; Align-GVGD: "Class C0"). In summary, the available evidence is currently insufficient to determine the role of this variant in disease. Therefore, it has been classified as a Variant of Uncertain Significance.